The following is an entry in ClinVar:

NM_000238.4(KCNH2):c.1447G>T (p.Val483Phe)

Gene: KCNH2 (potassium voltage-gated channel subfamily H member 2; minus strand). Cytogenetic location: 7q36.1.
Variant type: single nucleotide variant.
Coding change: c.1447G>T on transcript NM_000238.4 (MANE Select); coding-DNA position 1447, G replaced by T.
Protein change: p.Val483Phe; replaces valine 483 with phenylalanine.
Molecular consequence: missense variant.
Genome position (GRCh38, 1-based): chr7:150,952,535, C>A on the plus strand (G>T on the coding strand, the complement: KCNH2 is on the minus strand). VCF-style: chr7-150952535-C-A. GRCh37 (hg19) VCF-style: chr7-150649623-C-A.
Other names: c.427G>T, p.Val143Phe (NM_001204798.2, NM_172057.3); c.1159G>T, p.Val387Phe (NM_001406753.1, NM_001406756.1); c.1270G>T, p.Val424Phe (NM_001406755.1); c.1147G>T, p.Val383Phe (NM_001406757.1); c.1447G>T, p.Val483Phe (NM_172056.3); short protein forms V143F, V483F, V383F, V424F, V387F.
Identifiers: ClinVar variation 949825 (VCV000949825.11), dbSNP rs755834128, ClinGen allele CA369859733.

ClinVar aggregate classification (germline): Uncertain significance. Review status: criteria provided, multiple submitters, no conflicts (2 of 4 stars). 2 submissions from 2 submitters: Uncertain significance (2). Last evaluated 2019-06-24.

Conditions:
Long QT syndrome (LQTS). Identifiers: MedGen C0023976, MeSH D008133, MONDO:0002442. Disease mechanism: loss of function. Inheritance: Various modes of inheritance.

Submissions (2):

Labcorp Genetics (formerly Invitae), Labcorp
Classification: Uncertain significance for Long QT syndrome. Last evaluated: 2019-06-24. Review status: criteria provided, single submitter. Criteria: Invitae Variant Classification Sherloc (09022015). Collection method: clinical testing. Allele origin: germline.
Comment: In summary, the available evidence is currently insufficient to determine the role of this variant in disease. Therefore, it has been classified as a Variant of Uncertain Significance. Algorithms developed to predict the effect of missense changes on protein structure and function (SIFT, PolyPhen-2, Align-GVGD) all suggest that this variant is likely to be disruptive, but these predictions have not been confirmed by published functional studies and their clinical significance is uncertain. This variant has not been reported in the literature in individuals with KCNH2-related conditions. This variant is not present in population databases (ExAC no frequency). This sequence change replaces valine with phenylalanine at codon 483 of the KCNH2 protein (p.Val483Phe). The valine residue is highly conserved and there is a small physicochemical difference between valine and phenylalanine.

Blueprint Genetics
Classification: Uncertain significance. Last evaluated: 2018-06-04. Review status: criteria provided, single submitter. Criteria: ACMG Guidelines, 2015. Collection method: clinical testing. Allele origin: germline.